The following is an entry in ClinVar:

NC_000018.9:g.(?_67781793)_(67789868_?)del

Gene: RTTN (rotatin; minus strand). Cytogenetic location: 18q22.2.
Variant type: Deletion.
Identifiers: ClinVar variation 2427507 (VCV002427507.4).

ClinVar aggregate classification (germline): Likely pathogenic (1 of 4 stars; one submission).

Submission:

Labcorp Genetics (formerly Invitae), Labcorp
Classification: Likely pathogenic. Last evaluated: 2022-12-20. Review status: criteria provided, single submitter. Criteria: Invitae Variant Classification Sherloc (09022015). Collection method: clinical testing. Allele origin: germline.
Comment: In summary, the currently available evidence indicates that the variant is pathogenic, but additional data are needed to prove that conclusively. Therefore, this variant has been classified as Likely Pathogenic. This variant has not been reported in the literature in individuals affected with RTTN-related conditions. This variant results in the deletion of exon 26 and part of exon 27 (c.3384-932_3571del) of the RTTN gene. It is expected to disrupt RNA splicing. Variants that disrupt the donor or acceptor splice site typically lead to a loss of protein function (PMID: 16199547), and loss-of-function variants in RTTN are known to be pathogenic (PMID: 26608784, 26846091).

Literature cited by the submitters: PubMed 16199547; PubMed 26608784; PubMed 26846091.